The following is an entry in ClinVar:

ClinVar aggregate classification (germline): Uncertain significance (1 of 4 stars; one submission).

Submission:

GeneDx
Classification: Uncertain significance. Last evaluated: 2019-08-29. Review status: criteria provided, single submitter. Criteria: GeneDx Variant Classification Process June 2021. Collection method: clinical testing. Allele origin: germline. Affected: yes.
Comment: Not observed in large population cohorts (Lek et al., 2016); In silico analysis, which includes protein predictors and evolutionary conservation, supports a deleterious effect; This variant is associated with the following publications: (PMID: 28780519, 20530987)

NM_000216.4(ANOS1):c.400T>G (p.Cys134Gly)

Gene: ANOS1 (anosmin 1; minus strand). Cytogenetic location: Xp22.31.
Variant type: single nucleotide variant.
Coding change: c.400T>G on transcript NM_000216.4 (MANE Select); coding-DNA position 400, T replaced by G.
Protein change: p.Cys134Gly; replaces cysteine 134 with glycine.
Molecular consequence: missense variant.
Genome position (GRCh38, 1-based): chrX:8,597,175, A>C on the plus strand (T>G on the coding strand, the complement: ANOS1 is on the minus strand). VCF-style: chrX-8597175-A-C. GRCh37 (hg19) VCF-style: chrX-8565216-A-C.
Other names: short protein forms C134G.
Identifiers: ClinVar variation 1303088 (VCV001303088.2), dbSNP rs2146827187, ClinGen allele CA412025237.